The following is an entry in ClinVar:

NM_000243.3(MEFV):c.1209G>T (p.Glu403Asp)

Gene: MEFV (MEFV innate immunity regulator, pyrin; minus strand). Cytogenetic location: 16p13.3.
Variant type: single nucleotide variant.
Coding change: c.1209G>T on transcript NM_000243.3 (MANE Select); coding-DNA position 1209, G replaced by T.
Protein change: p.Glu403Asp; replaces glutamic acid 403 with aspartic acid.
Molecular consequence: missense variant.
Genome position (GRCh38, 1-based): chr16:3,249,482, C>A on the plus strand (G>T on the coding strand, the complement: MEFV is on the minus strand). VCF-style: chr16-3249482-C-A. GRCh37 (hg19) VCF-style: chr16-3299482-C-A.
Other names: c.576G>T, p.Glu192Asp (NM_001198536.2); short protein forms E192D, E403D.
Identifiers: ClinVar variation 3872095 (VCV003872095.1).
Genomic context (GRCh38, chr16:3,249,482, plus strand): 5'-AGTGCCTACCTTGTGTTCCAGGGCGACCTCCTCAATGGGGCGCACCCGGTGGCCTTGGTG[C>A]TCCTGACTCAGACTGCAGATGAGGCAGATGGGCTCATCGTGATCCTCACAGAAGAGCAGC-3'
Protein context (NP_000234.1, residues 393-413): PICLICSLSQ[Glu403Asp]HQGHRVRPIE

ClinVar aggregate classification (germline): Uncertain significance (1 of 4 stars; one submission).

Conditions:
Inborn genetic diseases. Identifiers: MedGen C0950123, MeSH D030342.

gnomAD v4.1: 1 of 1,614,142 alleles (0.000062%); highest among the groups gnomAD compares: Non-Finnish European, 0.000085%; no homozygotes.

Submission:

Ambry Genetics
Classification: Uncertain significance for Inborn genetic diseases. Last evaluated: 2025-01-13. Review status: criteria provided, single submitter. Criteria: Ambry Variant Classification Scheme 2023. Collection method: clinical testing. Allele origin: germline.
Comment: The p.E403D variant (also known as c.1209G>T), located in coding exon 3 of the MEFV gene, results from a G to T substitution at nucleotide position 1209. The glutamic acid at codon 403 is replaced by aspartic acid, an amino acid with highly similar properties. This amino acid position is conserved. In addition, in silico predictors for this gene do not accurately predict pathogenicity. Based on the available evidence, the clinical significance of this variant remains unclear.